The following is an entry in ClinVar:

NM_015450.3(POT1):c.724T>C (p.Tyr242His)

Gene: POT1 (protection of telomeres 1; minus strand). Cytogenetic location: 7q31.33.
Variant type: single nucleotide variant.
Coding change: c.724T>C on transcript NM_015450.3 (MANE Select); coding-DNA position 724, T replaced by C.
Protein change: p.Tyr242His; replaces tyrosine 242 with histidine.
Molecular consequence: missense variant. On other transcripts: non-coding transcript variant (3).
Genome position (GRCh38, 1-based): chr7:124,853,117, A>G on the plus strand (T>C on the coding strand, the complement: POT1 is on the minus strand). VCF-style: chr7-124853117-A-G. GRCh37 (hg19) VCF-style: chr7-124493171-A-G.
Other names: c.331T>C, p.Tyr111His (NM_001042594.2); short protein forms Y242H, Y111H.
Identifiers: ClinVar variation 4141908 (VCV004141908.1).

ClinVar aggregate classification (germline): Uncertain significance (1 of 4 stars; one submission).

Conditions:
Hereditary cancer-predisposing syndrome. Also called: Hereditary neoplastic syndrome; Neoplastic Syndromes, Hereditary; Tumor predisposition; Hereditary Cancer Syndrome. Identifiers: Orphanet 140162, MedGen C0027672, MeSH D009386, MONDO:0015356.

gnomAD v4.1: 1 of 1,594,336 alleles (0.000063%); highest among the groups gnomAD compares: Non-Finnish European, 0.000086%; no homozygotes.

Submission:

Ambry Genetics
Classification: Uncertain significance for Hereditary cancer-predisposing syndrome. Last evaluated: 2025-09-05. Review status: criteria provided, single submitter. Criteria: Ambry Variant Classification Scheme 2023. Collection method: clinical testing. Allele origin: germline.
Comment: The p.Y242H variant (also known as c.724T>C), located in coding exon 6 of the POT1 gene, results from a T to C substitution at nucleotide position 724. The tyrosine at codon 242 is replaced by histidine, an amino acid with similar properties. This variant was reported in individual(s) with features consistent with POT1-related tumor predisposition syndrome (Ambry internal data). This amino acid position is well conserved in available vertebrate species. In addition, this alteration is predicted to be tolerated by in silico analysis. Based on the available evidence, the clinical significance of this variant remains unclear.